The following is an entry in ClinVar:

NC_000023.10:g.(?_84534427)_(85302634_?)del

Genes: CHM (CHM Rab escort protein; minus strand), POF1B (POF1B actin binding protein; minus strand). Cytogenetic location: Xq21.1-21.2.
Variant type: Deletion.
Identifiers: ClinVar variation 1071374 (VCV001071374.1).

ClinVar aggregate classification (germline): Pathogenic (1 of 4 stars; one submission).

Submission:

Labcorp Genetics (formerly Invitae), Labcorp
Classification: Pathogenic. Last evaluated: 2020-10-18. Review status: criteria provided, single submitter. Criteria: Invitae Variant Classification Sherloc (09022015). Collection method: clinical testing. Allele origin: germline.
Comment: A gross deletion of the genomic region encompassing the full coding sequence of the CHM gene has been identified. The boundaries of this event are unknown as the deletion extends beyond the assayed region for this gene and therefore may encompass additional genes. A similar deletion has been observed in several individuals affected with choroideremia (PMID: 26133251, 7981671, 21905166, 23811034) and segregated with choroideremia in several families (PMID: 8749050, 17698759). Larger deletions involving this and neighboring genes have also been reported in families with choroideremia, deafness, and intellectual disability (PMID: 3476958). Loss-of-function variants in CHM are known to be pathogenic (PMID: 9067750, 23811034). For these reasons, this variant has been classified as Pathogenic.

Literature cited by the submitters: PubMed 26133251; PubMed 7981671; PubMed 21905166; PubMed 23811034; PubMed 8749050; PubMed 17698759; PubMed 3476958; PubMed 9067750.